The following is an entry in ClinVar:

NM_172107.4(KCNQ2):c.1823C>A (p.Pro608Gln)

Gene: KCNQ2 (potassium voltage-gated channel subfamily Q member 2; minus strand). Cytogenetic location: 20q13.33.
Variant type: single nucleotide variant.
Coding change: c.1823C>A on transcript NM_172107.4 (MANE Select); coding-DNA position 1823, C replaced by A.
Protein change: p.Pro608Gln; replaces proline 608 with glutamine.
Molecular consequence: missense variant.
Genome position (GRCh38, 1-based): chr20:63,408,477, G>T on the plus strand (C>A on the coding strand, the complement: KCNQ2 is on the minus strand). VCF-style: chr20-63408477-G-T. GRCh37 (hg19) VCF-style: chr20-62039830-G-T.
Other names: c.1877C>A, p.Pro626Gln (NM_001382235.1); c.1739C>A, p.Pro580Gln (NM_004518.6); c.1769C>A, p.Pro590Gln (NM_172106.3); c.1730C>A, p.Pro577Gln (NM_172108.5); short protein forms P580Q, P590Q, P577Q, P608Q, P626Q.
Identifiers: ClinVar variation 1355097 (VCV001355097.9), dbSNP rs140217688, ClinGen allele CA409640333.

ClinVar aggregate classification (germline): Uncertain significance (1 of 4 stars; one submission).

Conditions:
Early-infantile DEE. Also called: Early infantile epileptic encephalopathy with suppression bursts; Early infantile epileptic encephalopathy; Ohtahara syndrome. Identifiers: Orphanet 1934, MedGen C0393706, MONDO:0800491.

Submission:

Labcorp Genetics (formerly Invitae), Labcorp
Classification: Uncertain significance for Early-infantile DEE. Last evaluated: 2020-11-10. Review status: criteria provided, single submitter. Criteria: Invitae Variant Classification Sherloc (09022015). Collection method: clinical testing. Allele origin: germline.
Comment: In summary, the available evidence is currently insufficient to determine the role of this variant in disease. Therefore, it has been classified as a Variant of Uncertain Significance. Algorithms developed to predict the effect of missense changes on protein structure and function are either unavailable or do not agree on the potential impact of this missense change (SIFT: "Deleterious"; PolyPhen-2: "Possibly Damaging"; Align-GVGD: "Class C0"). This variant has not been reported in the literature in individuals with KCNQ2-related conditions. This variant is not present in population databases (ExAC no frequency). This sequence change replaces proline with glutamine at codon 608 of the KCNQ2 protein (p.Pro608Gln). The proline residue is moderately conserved and there is a moderate physicochemical difference between proline and glutamine.